The following is an entry in ClinVar:

ClinVar aggregate classification (germline): Uncertain significance (1 of 4 stars; one submission).

Conditions:
Hereditary cancer-predisposing syndrome. Also called: Tumor predisposition; Hereditary Cancer Syndrome; Neoplastic Syndromes, Hereditary; Hereditary neoplastic syndrome. Identifiers: Orphanet 140162, MedGen C0027672, MeSH D009386, MONDO:0015356.

Submission:

Ambry Genetics
Classification: Uncertain significance for Hereditary cancer-predisposing syndrome. Last evaluated: 2024-09-06. Review status: criteria provided, single submitter. Criteria: Ambry Variant Classification Scheme 2023. Collection method: clinical testing. Allele origin: germline.
Comment: The p.R3047P variant (also known as c.9140G>C), located in coding exon 62 of the ATM gene, results from a G to C substitution at nucleotide position 9140. The arginine at codon 3047 is replaced by proline, an amino acid with dissimilar properties. This amino acid position is well conserved in available vertebrate species. In addition, this alteration is predicted to be deleterious by in silico analysis. Based on the available evidence, the clinical significance of this variant remains unclear.

NM_000051.4(ATM):c.9140G>C (p.Arg3047Pro)

Genes: ATM (ATM serine/threonine kinase; plus strand), C11orf65 (chromosome 11 open reading frame 65; minus strand). Cytogenetic location: 11q22.3.
Variant type: single nucleotide variant.
Coding change: c.9140G>C on transcript NM_000051.4 (MANE Select); coding-DNA position 9140, G replaced by C.
Protein change: p.Arg3047Pro; replaces arginine 3047 with proline.
Molecular consequence: missense variant. On other transcripts: intron variant (2).
Genome position (GRCh38, 1-based): chr11:108,365,477, G>C. VCF-style: chr11-108365477-G-C. GRCh37 (hg19) VCF-style: chr11-108236204-G-C.
Other names: c.9140G>C, p.Arg3047Pro (NM_001351834.2); c.640+20443C>G (NM_001330368.2); c.694+20443C>G (NM_001351110.2); short protein forms R3047P.
Identifiers: ClinVar variation 3451009 (VCV003451009.1).
Genomic context (GRCh38, chr11:108,365,477, plus strand): 5'-GTGTTGGTGGACAAGTGAATTTGCTCATACAGCAGGCCATAGACCCCAAAAATCTCAGCC[G>C]ACTTTTCCCAGGATGGAAAGCTTGGGTGTGATCTTCAGTATATGAATTACCCTTTCATTC-3'
Protein context (NP_000042.3, residues 3037-3056): QQAIDPKNLS[Arg3047Pro]LFPGWKAWV